The following is an entry in ClinVar:

NM_014795.4(ZEB2):c.2113T>G (p.Ser705Ala)

Gene: ZEB2 (zinc finger E-box binding homeobox 2; minus strand). Cytogenetic location: 2q22.3.
Variant type: single nucleotide variant.
Coding change: c.2113T>G on transcript NM_014795.4 (MANE Select); coding-DNA position 2113, T replaced by G.
Protein change: p.Ser705Ala; replaces serine 705 with alanine.
Molecular consequence: missense variant.
Genome position (GRCh38, 1-based): chr2:144,399,074, A>C on the plus strand (T>G on the coding strand, the complement: ZEB2 is on the minus strand). VCF-style: chr2-144399074-A-C. GRCh37 (hg19) VCF-style: chr2-145156641-A-C.
Other names: c.2041T>G, p.Ser681Ala (NM_001171653.2); short protein forms S681A, S705A.
Identifiers: ClinVar variation 1520285 (VCV001520285.6), dbSNP rs1361274533, ClinGen allele CA348709002.

ClinVar aggregate classification (germline): Uncertain significance (1 of 4 stars; one submission).

Conditions:
Mowat-Wilson syndrome (MOWS). Also called: Classic Mowat-Wilson Syndrome. Identifiers: Orphanet 2152, MedGen C1856113, MONDO:0009341, OMIM 235730.

Allele frequency attached by ClinVar (database versions not stated): TOPMed 0.00001.

Submission:

Labcorp Genetics (formerly Invitae), Labcorp
Classification: Uncertain significance for Mowat-Wilson syndrome. Last evaluated: 2025-07-08. Review status: criteria provided, single submitter. Criteria: Invitae Variant Classification Sherloc (09022015). Collection method: clinical testing. Allele origin: germline.
Comment: This sequence change replaces serine, which is neutral and polar, with alanine, which is neutral and non-polar, at codon 705 of the ZEB2 protein (p.Ser705Ala). This variant is not present in population databases (gnomAD no frequency). This variant has not been reported in the literature in individuals affected with ZEB2-related conditions. ClinVar contains an entry for this variant (Variation ID: 1520285). An algorithm developed to predict the effect of missense changes on protein structure and function (PolyPhen-2) suggests that this variant is likely to be tolerated. In summary, the available evidence is currently insufficient to determine the role of this variant in disease. Therefore, it has been classified as a Variant of Uncertain Significance.